The following is an entry in ClinVar:

ClinVar aggregate classification (germline): Benign (1 of 4 stars; one submission).

Conditions:
Hereditary spastic paraplegia 6 (SPG6). Also called: SPASTIC PARAPLEGIA 6, AUTOSOMAL DOMINANT. Identifiers: Orphanet 100988, MedGen C1838192, MONDO:0010878, OMIM 600363.

Allele frequency attached by ClinVar (database versions not stated): TOPMed 0.00086; gnomAD 0.00106 and 0.00111; 1000 Genomes Project 0.00040; 1000 Genomes Project 30x 0.00047.

Submission:

Illumina Laboratory Services, Illumina
Classification: Benign for Hereditary spastic paraplegia 6. Last evaluated: 2018-01-13. Review status: criteria provided, single submitter. Criteria: ICSL Variant Classification Criteria 13 December 2019. Collection method: clinical testing. Allele origin: germline.
Comment: This variant was observed in the ICSL laboratory as part of a predisposition screen in an ostensibly healthy population. It had not been previously curated by ICSL or reported in the Human Gene Mutation Database (HGMD: prior to June 1st, 2018), and was therefore a candidate for classification through an automated scoring system. Utilizing variant allele frequency, disease prevalence and penetrance estimates, and inheritance mode, an automated score was calculated to assess if this variant is too frequent to cause the disease. Based on the score and internal cut-off values, a variant classified as benign is not then subjected to further curation. The score for this variant resulted in a classification of benign for this disease.

NM_144599.5(NIPA1):c.*4885T>C

Gene: NIPA1 (NIPA magnesium transporter 1; plus strand). Cytogenetic location: 15q11.2.
Variant type: single nucleotide variant.
Coding change: c.*4885T>C on transcript NM_144599.5 (MANE Select); 4885 bases downstream of the stop codon, T replaced by C.
Molecular consequence: 3 prime UTR variant.
Genome position (GRCh38, 1-based): chr15:22,829,124, T>C. VCF-style: chr15-22829124-T-C. GRCh37 (hg19) VCF-style: chr15-23043944-A-G.
Other names: c.*4885T>C (NM_001142275.1).
Identifiers: ClinVar variation 315343 (VCV000315343.5), dbSNP rs555159081, ClinGen allele CA10635711.